The following is an entry in ClinVar:

NM_006755.2(TALDO1):c.830A>C (p.Lys277Thr)

Gene: TALDO1 (transaldolase 1; plus strand). Cytogenetic location: 11p15.5.
Variant type: single nucleotide variant.
Coding change: c.830A>C on transcript NM_006755.2 (MANE Select); coding-DNA position 830, A replaced by C.
Protein change: p.Lys277Thr; replaces lysine 277 with threonine.
Molecular consequence: missense variant.
Genome position (GRCh38, 1-based): chr11:763,939, A>C. VCF-style: chr11-763939-A-C. GRCh37 (hg19) VCF-style: chr11-763939-A-C.
Other names: p.Lys277Thr; c.830A>C (NM_006755.1); short protein forms K277T.
Identifiers: ClinVar variation 2683128 (VCV002683128.2), dbSNP rs774217411, ClinGen allele CA5788303.

ClinVar aggregate classification (germline): Uncertain significance. Review status: criteria provided, multiple submitters, no conflicts (2 of 4 stars). 2 submissions from 2 submitters: Uncertain significance (2). Last evaluated 2025-02-24.

Conditions:
Inborn genetic diseases. Identifiers: MedGen C0950123, MeSH D030342.

Allele frequency attached by ClinVar (database versions not stated): ExAC 0.00002; gnomAD 0.00002; TOPMed 0.00002.
gnomAD v4.1: 12 of 1,608,072 alleles (0.00075%); highest among the groups gnomAD compares: Non-Finnish European, 0.001%; no homozygotes.

Submissions (2):

Ambry Genetics
Classification: Uncertain significance for Inborn genetic diseases. Last evaluated: 2025-02-24. Review status: criteria provided, single submitter. Criteria: Ambry Variant Classification Scheme 2023. Collection method: clinical testing. Allele origin: germline.

Mayo Clinic Laboratories, Mayo Clinic
Classification: Uncertain significance. Last evaluated: 2023-01-26. Review status: criteria provided, single submitter. Criteria: ACMG Guidelines, 2015. Collection method: clinical testing. Allele origin: germline. Observed: 1 variant allele.
Comment: PM2